The following is an entry in ClinVar:

NM_000095.3(COMP):c.1632C>A (p.Asp544Glu)

Gene: COMP (cartilage oligomeric matrix protein; minus strand). Cytogenetic location: 19p13.11.
Variant type: single nucleotide variant.
Coding change: c.1632C>A on transcript NM_000095.3 (MANE Select); coding-DNA position 1632, C replaced by A.
Protein change: p.Asp544Glu; replaces aspartic acid 544 with glutamic acid.
Molecular consequence: missense variant.
Genome position (GRCh38, 1-based): chr19:18,785,709, G>T on the plus strand (C>A on the coding strand, the complement: COMP is on the minus strand). VCF-style: chr19-18785709-G-T. GRCh37 (hg19) VCF-style: chr19-18896519-G-T.
Other names: short protein forms D544E.
Identifiers: ClinVar variation 1476680 (VCV001476680.8), dbSNP rs566112479, ClinGen allele CA9316344.

ClinVar aggregate classification (germline): Uncertain significance (1 of 4 stars; one submission).

Allele frequency attached by ClinVar (database versions not stated): 1000 Genomes Project 30x 0.00016; 1000 Genomes Project 0.00020.
gnomAD v4.1: 6 of 1,613,364 alleles (0.00037%); highest among the groups gnomAD compares: Admixed American, 0.0033%; no homozygotes.

Submission:

Labcorp Genetics (formerly Invitae), Labcorp
Classification: Uncertain significance. Last evaluated: 2025-01-06. Review status: criteria provided, single submitter. Criteria: Invitae Variant Classification Sherloc (09022015). Collection method: clinical testing. Allele origin: germline.
Comment: This sequence change replaces aspartic acid, which is acidic and polar, with glutamic acid, which is acidic and polar, at codon 544 of the COMP protein (p.Asp544Glu). This variant is present in population databases (rs566112479, gnomAD 0.006%). This variant has not been reported in the literature in individuals affected with COMP-related conditions. ClinVar contains an entry for this variant (Variation ID: 1476680). Invitae Evidence Modeling of protein sequence and biophysical properties (such as structural, functional, and spatial information, amino acid conservation, physicochemical variation, residue mobility, and thermodynamic stability) indicates that this missense variant is not expected to disrupt COMP protein function with a negative predictive value of 80%. In summary, the available evidence is currently insufficient to determine the role of this variant in disease. Therefore, it has been classified as a Variant of Uncertain Significance.